The following is an entry in ClinVar:

ClinVar aggregate classification (germline): Uncertain significance (1 of 4 stars; one submission).

Allele frequency attached by ClinVar (database versions not stated): gnomAD exomes below 0.00001 and 0.00001; ExAC 0.00001; gnomAD 0.00005; TOPMed 0.00009.
gnomAD v4.1: 14 of 1,614,054 alleles (0.00087%); highest among the groups gnomAD compares: African/African-American, 0.017%; no homozygotes.

Submission:

GeneDx
Classification: Uncertain significance. Last evaluated: 2019-07-09. Review status: criteria provided, single submitter. Criteria: GeneDx Variant Classification Process June 2021. Collection method: clinical testing. Allele origin: germline. Affected: yes.
Comment: In silico analysis, which includes protein predictors and evolutionary conservation, supports a deleterious effect; Has not been previously published as pathogenic or benign to our knowledge

NM_147127.5(EVC2):c.1370A>T (p.Glu457Val)

Genes: EVC2 (EvC ciliary complex subunit 2; minus strand), LOC126806961 (BRD4-independent group 4 enhancer GRCh37_chr4:5641443-5642642; plus strand). Cytogenetic location: 4p16.2.
Variant type: single nucleotide variant.
Coding change: c.1370A>T on transcript NM_147127.5 (MANE Select); coding-DNA position 1370, A replaced by T.
Protein change: p.Glu457Val; replaces glutamic acid 457 with valine.
Molecular consequence: missense variant.
Genome position (GRCh38, 1-based): chr4:5,640,614, T>A on the plus strand (A>T on the coding strand, the complement: EVC2 is on the minus strand). VCF-style: chr4-5640614-T-A. GRCh37 (hg19) VCF-style: chr4-5642341-T-A.
Other names: c.1130A>T, p.Glu377Val (NM_001166136.2); short protein forms E377V, E457V.
Identifiers: ClinVar variation 1307022 (VCV001307022.2), dbSNP rs756822099, ClinGen allele CA2835082.